The following is an entry in ClinVar:

ClinVar aggregate classification (germline): Uncertain significance (1 of 4 stars; one submission).

Submission:

Ambry Genetics
Classification: Uncertain significance. Last evaluated: 2023-09-05. Review status: criteria provided, single submitter. Criteria: Ambry Variant Classification Scheme 2023. Collection method: clinical testing. Allele origin: germline.
Comment: The p.E412K variant (also known as c.1234G>A), located in coding exon 7 of the GALNT12 gene, results from a G to A substitution at nucleotide position 1234. The glutamic acid at codon 412 is replaced by lysine, an amino acid with similar properties. This amino acid position is conserved. In addition, this alteration is predicted to be tolerated by in silico analysis. Since supporting evidence is limited at this time, the clinical significance of this alteration remains unclear.

NM_024642.5(GALNT12):c.1234G>A (p.Glu412Lys)

Gene: GALNT12 (polypeptide N-acetylgalactosaminyltransferase 12; plus strand). Cytogenetic location: 9q22.33.
Variant type: single nucleotide variant.
Coding change: c.1234G>A on transcript NM_024642.5 (MANE Select); coding-DNA position 1234, G replaced by A.
Protein change: p.Glu412Lys; replaces glutamic acid 412 with lysine.
Molecular consequence: missense variant.
Genome position (GRCh38, 1-based): chr9:98,840,023, G>A. VCF-style: chr9-98840023-G-A. GRCh37 (hg19) VCF-style: chr9-101602305-G-A.
Other names: short protein forms E412K.
Identifiers: ClinVar variation 2598922 (VCV002598922.2), dbSNP rs2490541212, ClinGen allele CA374220917.
Genomic context (GRCh38, chr9:98,840,023, plus strand): 5'-TAGGACCCATGGGGTCTCACTGTTTTGTTGTTTTCTCAGGAACCTTTTGGGGATGTGACA[G>A]AGAGGAAGCAGCTCCGGGACAAGCTCCAGTGTAAAGACTTCAAGTGGTTCTTGGAGACTG-3'
Protein context (NP_078918.3, residues 402-422): ARLEPFGDVT[Glu412Lys]RKQLRDKLQC